The following is an entry in ClinVar:

NM_031407.7(HUWE1):c.397G>A (p.Ala133Thr)

Gene: HUWE1 (HECT, UBA and WWE domain containing E3 ubiquitin protein ligase 1; minus strand). Cytogenetic location: Xp11.22.
Variant type: single nucleotide variant.
Coding change: c.397G>A on transcript NM_031407.7 (MANE Select); coding-DNA position 397, G replaced by A.
Protein change: p.Ala133Thr; replaces alanine 133 with threonine.
Molecular consequence: missense variant.
Genome position (GRCh38, 1-based): chrX:53,645,418, C>T on the plus strand (G>A on the coding strand, the complement: HUWE1 is on the minus strand). VCF-style: chrX-53645418-C-T. GRCh37 (hg19) VCF-style: chrX-53672370-C-T.
Other names: short protein forms A133T.
Identifiers: ClinVar variation 2574779 (VCV002574779.1), dbSNP rs2528790291, ClinGen allele CA413164160.

ClinVar aggregate classification (germline): Uncertain significance (1 of 4 stars; one submission).

Submission:

GeneDx
Classification: Uncertain significance. Last evaluated: 2023-01-31. Review status: criteria provided, single submitter. Criteria: GeneDx Variant Classification Process June 2021. Collection method: clinical testing. Allele origin: germline. Affected: yes.
Comment: Not observed at significant frequency in large population cohorts (gnomAD); In silico analysis supports that this missense variant does not alter protein structure/function; Has not been previously published as pathogenic or benign to our knowledge